The following is an entry in ClinVar:

NM_006059.4(LAMC3):c.1340G>A (p.Arg447His)

Gene: LAMC3 (laminin subunit gamma 3; plus strand). Cytogenetic location: 9q34.12.
Variant type: single nucleotide variant.
Coding change: c.1340G>A on transcript NM_006059.4 (MANE Select); coding-DNA position 1340, G replaced by A.
Protein change: p.Arg447His; replaces arginine 447 with histidine.
Molecular consequence: missense variant.
Genome position (GRCh38, 1-based): chr9:131,041,693, G>A. VCF-style: chr9-131041693-G-A. GRCh37 (hg19) VCF-style: chr9-133917080-G-A.
Other names: short protein forms R447H.
Identifiers: ClinVar variation 2146487 (VCV002146487.2), dbSNP rs746968424, ClinGen allele CA5287048.

ClinVar aggregate classification (germline): Uncertain significance (1 of 4 stars; one submission).

Allele frequency attached by ClinVar (database versions not stated): gnomAD 0.00001; ExAC 0.00002; TOPMed 0.00002.
gnomAD v4.1: 22 of 1,613,836 alleles (0.0014%); highest among the groups gnomAD compares: Middle Eastern, 0.016%; no homozygotes.

Submission:

Labcorp Genetics (formerly Invitae), Labcorp
Classification: Uncertain significance. Last evaluated: 2022-11-08. Review status: criteria provided, single submitter. Criteria: Invitae Variant Classification Sherloc (09022015). Collection method: clinical testing. Allele origin: germline.
Comment: In summary, the available evidence is currently insufficient to determine the role of this variant in disease. Therefore, it has been classified as a Variant of Uncertain Significance. Algorithms developed to predict the effect of missense changes on protein structure and function output the following: SIFT: "Tolerated"; PolyPhen-2: "Benign"; Align-GVGD: "Class C0". The histidine amino acid residue is found in multiple mammalian species, which suggests that this missense change does not adversely affect protein function. This variant has not been reported in the literature in individuals affected with LAMC3-related conditions. This variant is present in population databases (rs746968424, gnomAD 0.006%). This sequence change replaces arginine, which is basic and polar, with histidine, which is basic and polar, at codon 447 of the LAMC3 protein (p.Arg447His).